The following is an entry in ClinVar:

NM_052988.5(CDK10):c.24C>T (p.Cys8=)

Genes: CDK10 (cyclin dependent kinase 10; plus strand), LINC02166 (long intergenic non-protein coding RNA 2166; minus strand). Cytogenetic location: 16q24.3.
Variant type: single nucleotide variant.
Coding change: c.24C>T on transcript NM_052988.5 (MANE Select); coding-DNA position 24, C replaced by T.
Protein change: p.Cys8=; no amino-acid change (cysteine 8 retained).
Molecular consequence: synonymous variant. On other transcripts: non-coding transcript variant (6), 5 prime UTR variant (3).
Genome position (GRCh38, 1-based): chr16:89,686,734, C>T. VCF-style: chr16-89686734-C-T. GRCh37 (hg19) VCF-style: chr16-89753142-C-T.
Other names: c.-152C>T (NM_001098533.3, NM_001160367.2, NM_052987.4).
Identifiers: ClinVar variation 4832812 (VCV004832812.1).
Genomic context (GRCh38, chr16:89,686,734, plus strand): 5'-GCGCCTGCGCGCAAGAGAGGCGGGGCCAGCGCTCGGCATGGCGGAGCCAGATCTGGAGTG[C>T]GAGCAGATCCGTCTGAAGTGTATTCGTAAGGAGGGCTTCTTCACGGTGCCTCCGGAACAC-3'
Protein context (NP_443714.3, residues 1-18): MAEPDLE[Cys8=]EQIRLKCIRK

ClinVar aggregate classification (germline): Uncertain significance (1 of 4 stars; one submission).

Conditions:
Inborn genetic diseases. Identifiers: MedGen C0950123, MeSH D030342.

gnomAD v4.1: 79 of 1,610,416 alleles (0.0049%); highest among the groups gnomAD compares: Admixed American, 0.1%; no homozygotes.

Submission:

Ambry Genetics
Classification: Uncertain significance for Inborn genetic diseases. Last evaluated: 2026-02-05. Review status: criteria provided, single submitter. Criteria: Ambry Variant Classification Scheme 2023. Collection method: clinical testing. Allele origin: germline.
Comment: The c.24C>T (p.C8C) alteration is located in exon 1 (coding exon 1) of the CDK10 gene. This alteration consists of a C to T substitution at nucleotide position 24. This nucleotide substitution does not change the amino acid at codon 8. Based on data from gnomAD, the T allele has an overall frequency of 0.01% (24/240760) total alleles studied. The highest observed frequency was 0.065% (22/34034) of Latino alleles. This nucleotide position is poorly conserved in available vertebrate species. In silico splice site analysis predicts that this alteration may result in the creation or strengthening of a novel splice donor site. Based on insufficient or conflicting evidence, the clinical significance of this alteration remains unclear.